The following is an entry in ClinVar:

ClinVar aggregate classification (germline): Conflicting classifications of pathogenicity. Review status: criteria provided, conflicting classifications (1 of 4 stars). 3 submissions from 3 submitters: Uncertain significance (2); Likely benign (1). Last evaluated 2026-02-01.

Conditions:
Inborn genetic diseases. Identifiers: MedGen C0950123, MeSH D030342.

Allele frequency attached by ClinVar (database versions not stated): ExAC 0.00001; TOPMed 0.00001; gnomAD exomes 0.00002; ESP Exome Variant Server 0.00008.
gnomAD v4.1: 23 of 1,606,280 alleles (0.0014%); highest among the groups gnomAD compares: Admixed American, 0.0035%; no homozygotes.

Submissions (3):

CeGaT Center for Human Genetics Tuebingen
Classification: Likely benign. Last evaluated: 2026-02-01. Review status: criteria provided, single submitter. Criteria: CeGaT Center For Human Genetics Tuebingen Variant Classification Criteria Version 2. Collection method: clinical testing. Allele origin: germline. Affected: yes. Observed: 1 variant allele.
Comment: TMEM106B: BP4, BS2

Ambry Genetics
Classification: Uncertain significance for Inborn genetic diseases. Last evaluated: 2025-06-30. Review status: criteria provided, single submitter. Criteria: Ambry Variant Classification Scheme 2023. Collection method: clinical testing. Allele origin: germline.

Labcorp Genetics (formerly Invitae), Labcorp
Classification: Uncertain significance. Last evaluated: 2022-02-09. Review status: criteria provided, single submitter. Criteria: Invitae Variant Classification Sherloc (09022015). Collection method: clinical testing. Allele origin: germline.
Comment: This variant has not been reported in the literature in individuals affected with TMEM106B-related conditions. In summary, the available evidence is currently insufficient to determine the role of this variant in disease. Therefore, it has been classified as a Variant of Uncertain Significance. Algorithms developed to predict the effect of missense changes on protein structure and function are either unavailable or do not agree on the potential impact of this missense change (SIFT: "Deleterious"; PolyPhen-2: "Probably Damaging"; Align-GVGD: "Class C0"). This variant is present in population databases (rs377719816, gnomAD 0.01%). This sequence change replaces isoleucine, which is neutral and non-polar, with valine, which is neutral and non-polar, at codon 187 of the TMEM106B protein (p.Ile187Val).

NM_001134232.2(TMEM106B):c.559A>G (p.Ile187Val)

Gene: TMEM106B (transmembrane protein 106B; plus strand). Cytogenetic location: 7p21.3.
Variant type: single nucleotide variant.
Coding change: c.559A>G on transcript NM_001134232.2 (MANE Select); coding-DNA position 559, A replaced by G.
Protein change: p.Ile187Val; replaces isoleucine 187 with valine.
Molecular consequence: missense variant.
Genome position (GRCh38, 1-based): chr7:12,229,796, A>G. VCF-style: chr7-12229796-A-G. GRCh37 (hg19) VCF-style: chr7-12269422-A-G.
Other names: c.559A>G (NM_018374.3); c.559A>G, p.Ile187Val (NM_018374.4); short protein forms I187V.
Identifiers: ClinVar variation 1925499 (VCV001925499.10), dbSNP rs377719816, ClinGen allele CA4165133.